The following is an entry in ClinVar:

ClinVar aggregate classification (germline): Pathogenic (1 of 4 stars; one submission).

Conditions:
Zellweger spectrum disorders (ZS). Also called: Zellweger Spectrum Disorder (ZSD); Zellweger syndrome; Zellweger Spectrum Disorder; Zellweger Spectrum. Identifiers: Orphanet 912, MedGen C0043459, MONDO:0019609.

Submission:

Natera, Inc.
Classification: Pathogenic for Zellweger syndrome. Last evaluated: 2025-10-20. Review status: criteria provided, single submitter. Criteria: Natera Variant Classification Schema (03/2026). Collection method: clinical testing. Allele origin: germline.
Comment: The c.2094+2T>C variant in PEX6 is a canonical splice donor site variant predicted to affect pre-mRNA splicing, which may result in an abnormal transcript and altered protein product. This variant is expected to result in nonsense mediated decay, truncation, or a dysfunctional protein product. This variant is rare in the general population with a frequency below the threshold expected for the associated phenotype(s). This variant has been observed in one or more individuals affected with the associated recessive disease, as either homozygous or compound heterozygous with a second variant (PMID: 11873320). Given the available evidence, this variant is classified as Pathogenic.

Literature cited by the submitters: PubMed 11873320.

NM_000287.4(PEX6):c.2094+2T>C

Gene: PEX6 (peroxisomal biogenesis factor 6; minus strand). Cytogenetic location: 6p21.1.
Variant type: single nucleotide variant.
Coding change: c.2094+2T>C on transcript NM_000287.4 (MANE Select); the canonical splice donor site of the intron after coding-DNA position 2094, T replaced by C.
Molecular consequence: splice donor variant. On other transcripts: non-coding transcript variant (1).
Genome position (GRCh38, 1-based): chr6:42,966,523, A>G on the plus strand (T>C on the coding strand, the complement: PEX6 is on the minus strand). VCF-style: chr6-42966523-A-G. GRCh37 (hg19) VCF-style: chr6-42934261-A-G.
Other names: c.1830+2T>C (NM_001316313.2).
Identifiers: ClinVar variation 4818112 (VCV004818112.1).
Genomic context (GRCh38, chr6:42,966,523, plus strand): 5'-TGCGTGGTTGGGATATGCTCTTGGAGGGGCTCCTGTCCCACCTCCAAGGACTTGGTCTCC[A>G]CCTTGGGGGCTCCAACGGCCTGGGAGTGAGCTGTCTGCAGTTGCTCCAGTGCCTGCCCAA-3'